The following is an entry in ClinVar:

NM_024642.5(GALNT12):c.1601A>G (p.Gln534Arg)

Gene: GALNT12 (polypeptide N-acetylgalactosaminyltransferase 12; plus strand). Cytogenetic location: 9q22.33.
Variant type: single nucleotide variant.
Coding change: c.1601A>G on transcript NM_024642.5 (MANE Select); coding-DNA position 1601, A replaced by G.
Protein change: p.Gln534Arg; replaces glutamine 534 with arginine.
Molecular consequence: missense variant.
Genome position (GRCh38, 1-based): chr9:98,846,119, A>G. VCF-style: chr9-98846119-A-G. GRCh37 (hg19) VCF-style: chr9-101608401-A-G.
Other names: short protein forms Q534R.
Identifiers: ClinVar variation 3631377 (VCV003631377.2).

ClinVar aggregate classification (germline): Uncertain significance (1 of 4 stars; one submission).

Submission:

Labcorp Genetics (formerly Invitae), Labcorp
Classification: Uncertain significance. Last evaluated: 2024-08-28. Review status: criteria provided, single submitter. Criteria: Invitae Variant Classification Sherloc (09022015). Collection method: clinical testing. Allele origin: germline.
Comment: This sequence change replaces glutamine, which is neutral and polar, with arginine, which is basic and polar, at codon 534 of the GALNT12 protein (p.Gln534Arg). This variant is not present in population databases (gnomAD no frequency). This variant has not been reported in the literature in individuals affected with GALNT12-related conditions. Invitae Evidence Modeling of protein sequence and biophysical properties (such as structural, functional, and spatial information, amino acid conservation, physicochemical variation, residue mobility, and thermodynamic stability) indicates that this missense variant is not expected to disrupt GALNT12 protein function with a negative predictive value of 80%. In summary, the available evidence is currently insufficient to determine the role of this variant in disease. Therefore, it has been classified as a Variant of Uncertain Significance.